The following is an entry in ClinVar:

NM_007113.4(TCHH):c.5340C>G (p.Arg1780=)

Gene: TCHH (trichohyalin; minus strand). Cytogenetic location: 1q21.3.
Variant type: single nucleotide variant.
Coding change: c.5340C>G on transcript NM_007113.4 (MANE Select); coding-DNA position 5340, C replaced by G.
Protein change: p.Arg1780=; no amino-acid change (arginine 1780 retained).
Molecular consequence: synonymous variant.
Genome position (GRCh38, 1-based): chr1:152,107,877, G>C on the plus strand (C>G on the coding strand, the complement: TCHH is on the minus strand). VCF-style: chr1-152107877-G-C. GRCh37 (hg19) VCF-style: chr1-152080353-G-C.
Identifiers: ClinVar variation 2639185 (VCV002639185.24), dbSNP rs773934893, ClinGen allele CA1097575.

ClinVar aggregate classification (germline): Likely benign (1 of 4 stars; one submission).

Allele frequency attached by ClinVar (database versions not stated): ExAC 0.00002.
gnomAD v4.1: 84 of 1,613,262 alleles (0.0052%); highest among the groups gnomAD compares: Non-Finnish European, 0.0066%; no homozygotes.

Submission:

CeGaT Center for Human Genetics Tuebingen
Classification: Likely benign. Last evaluated: 2022-08-01. Review status: criteria provided, single submitter. Criteria: CeGaT Center For Human Genetics Tuebingen Variant Classification Criteria Version 2. Collection method: clinical testing. Allele origin: germline. Affected: yes. Observed: 1 variant allele.
Comment: TCHH: BP4, BP7